The following is an entry in ClinVar:

NM_000135.4(FANCA):c.836A>T (p.Asp279Val)

Gene: FANCA (FA complementation group A; minus strand). Cytogenetic location: 16q24.3.
Variant type: single nucleotide variant.
Coding change: c.836A>T on transcript NM_000135.4 (MANE Select); coding-DNA position 836, A replaced by T.
Protein change: p.Asp279Val; replaces aspartic acid 279 with valine.
Molecular consequence: missense variant.
Genome position (GRCh38, 1-based): chr16:89,799,223, T>A on the plus strand (A>T on the coding strand, the complement: FANCA is on the minus strand). VCF-style: chr16-89799223-T-A. GRCh37 (hg19) VCF-style: chr16-89865631-T-A.
Other names: c.836A>T, p.Asp279Val (NM_001018112.3, NM_001286167.3); c.740A>T, p.Asp247Val (NM_001351830.2); short protein forms D247V, D279V.
Identifiers: ClinVar variation 4254236 (VCV004254236.1).

ClinVar aggregate classification (germline): Uncertain significance (1 of 4 stars; one submission).

Conditions:
Inborn genetic diseases. Identifiers: MedGen C0950123, MeSH D030342.

Submission:

Ambry Genetics
Classification: Uncertain significance for Inborn genetic diseases. Last evaluated: 2025-07-28. Review status: criteria provided, single submitter. Criteria: Ambry Variant Classification Scheme 2023. Collection method: clinical testing. Allele origin: germline.
Comment: The p.D279V variant (also known as c.836A>T), located in coding exon 10 of the FANCA gene, results from an A to T substitution at nucleotide position 836. The aspartic acid at codon 279 is replaced by valine, an amino acid with highly dissimilar properties. This amino acid position is conserved. In addition, this alteration is predicted to be tolerated by in silico analysis. Based on the available evidence, the clinical significance of this variant remains unclear.